The following is an entry in ClinVar:

ClinVar aggregate classification (germline): Uncertain significance (1 of 4 stars; one submission).

Allele frequency attached by ClinVar (database versions not stated): gnomAD exomes 0.00001; TOPMed 0.00001; ESP Exome Variant Server 0.00008; ExAC 0.00001; gnomAD 0.00001.
gnomAD v4.1: 10 of 1,613,840 alleles (0.00062%); highest among the groups gnomAD compares: Non-Finnish European, 0.00085%; no homozygotes.

Submission:

Labcorp Genetics (formerly Invitae), Labcorp
Classification: Uncertain significance. Last evaluated: 2025-11-10. Review status: criteria provided, single submitter. Criteria: Invitae Variant Classification Sherloc (09022015). Collection method: clinical testing. Allele origin: germline.
Comment: This sequence change replaces alanine, which is neutral and non-polar, with serine, which is neutral and polar, at codon 15 of the RPL27 protein (p.Ala15Ser). This variant is present in population databases (rs376971321, gnomAD 0.004%). This variant has not been reported in the literature in individuals affected with RPL27-related conditions. ClinVar contains an entry for this variant (Variation ID: 2779251). An algorithm developed to predict the effect of missense changes on protein structure and function (PolyPhen-2) suggests that this variant is likely to be tolerated. In summary, the available evidence is currently insufficient to determine the role of this variant in disease. Therefore, it has been classified as a Variant of Uncertain Significance.

NM_000988.5(RPL27):c.43G>T (p.Ala15Ser)

Genes: RPL27 (ribosomal protein L27; plus strand), LOC126862570 (CDK7 strongly-dependent group 2 enhancer GRCh37_chr17:41149993-41151192; plus strand). Cytogenetic location: 17q21.31.
Variant type: single nucleotide variant.
Coding change: c.43G>T on transcript NM_000988.5 (MANE Select); coding-DNA position 43, G replaced by T.
Protein change: p.Ala15Ser; replaces alanine 15 with serine.
Molecular consequence: missense variant. On other transcripts: non-coding transcript variant (1).
Genome position (GRCh38, 1-based): chr17:42,998,793, G>T. VCF-style: chr17-42998793-G-T. GRCh37 (hg19) VCF-style: chr17-41150810-G-T.
Other names: c.43G>T, p.Ala15Ser (NM_001349921.2, NM_001349922.2); short protein forms A15S.
Identifiers: ClinVar variation 2779251 (VCV002779251.3), dbSNP rs376971321, ClinGen allele CA8588886.
Genomic context (GRCh38, chr17:42,998,793, plus strand): 5'-TCCTTGCTCTCTGCAGAAATGGGCAAGTTCATGAAACCTGGGAAGGTGGTGCTTGTCCTG[G>T]CTGGACGCTACTCCGGACGCAAAGCTGTCATCGTGAAGGTATCAGCCTCGCGGGACTCTG-3'
Protein context (NP_000979.1, residues 5-25): MKPGKVVLVL[Ala15Ser]GRYSGRKAVI